The following is an entry in ClinVar:

NM_003482.4(KMT2D):c.12366A>G (p.Gly4122=)

Gene: KMT2D (lysine methyltransferase 2D; minus strand). Cytogenetic location: 12q13.12.
Variant type: single nucleotide variant.
Coding change: c.12366A>G on transcript NM_003482.4 (MANE Select); coding-DNA position 12366, A replaced by G.
Protein change: p.Gly4122=; no amino-acid change (glycine 4122 retained).
Molecular consequence: synonymous variant.
Genome position (GRCh38, 1-based): chr12:49,032,339, T>C on the plus strand (A>G on the coding strand, the complement: KMT2D is on the minus strand). VCF-style: chr12-49032339-T-C. GRCh37 (hg19) VCF-style: chr12-49426122-T-C.
Identifiers: ClinVar variation 3063696 (VCV003063696.1), dbSNP rs1339721666, ClinGen allele CA479708737.
Genomic context (GRCh38, chr12:49,032,339, plus strand): 5'-CCCTAAGGAAACAGAGGGCTGAGCCAGCAGGTGGGGCACAGATGAGGCCTCAGAAGATGA[T>C]CCACTGCCTAGCTGCCCATGGCTTCCTCCACCTGCTGTGTGGAGCAGGCTAACTTGCTGC-3'
Protein context (NP_003473.3, residues 4112-4132): GGGSHGQLGS[Gly4122=]SSSEASSVPH

ClinVar aggregate classification (germline): Likely benign (1 of 4 stars; one submission).

Allele frequency attached by ClinVar (database versions not stated): gnomAD exomes below 0.00001.
gnomAD v4.1: 2 of 1,613,690 alleles (0.00012%); highest among the groups gnomAD compares: South Asian, 0.0011%; no homozygotes.

Submission:

Women's Health and Genetics/Laboratory Corporation of America, LabCorp
Classification: Likely benign. Last evaluated: 2024-01-03. Review status: criteria provided, single submitter. Criteria: LabCorp Variant Classification Summary - May 2015. Collection method: clinical testing. Allele origin: germline.
Comment: Variant summary: MLL2 c.12366A>G results in a synonymous change. Consensus agreement among computation tools predict no significant impact on normal splicing. However, these predictions have yet to be confirmed by functional studies. The variant allele was found at a frequency of 4e-06 in 248536 control chromosomes. The available data on variant occurrences in the general population are insufficient to allow any conclusion about variant significance. To our knowledge, no occurrence of c.12366A>G in individuals affected with Kabuki Syndrome 1 and no experimental evidence demonstrating its impact on protein function have been reported. No submitters have cited clinical-significance assessments for this variant to ClinVar after 2014. Based on the evidence outlined above, the variant was classified as likely benign.